The following continues an entry in ClinVar:

NM_007294.4(BRCA1):c.1067A>G (p.Gln356Arg)

Gene: BRCA1. ClinVar aggregate classification (germline): Benign. Benign (1). ClinVar aggregate classification (somatic clinical impact): Tier IV - Benign/Likely benign.

Submissions 17 to 49 of 49:

GeneKor MSA
Classification: Benign. Last evaluated: 2017-11-01. Review status: criteria provided, single submitter. Criteria: ACMG Guidelines, 2015. Collection method: clinical testing. Allele origin: germline. Affected: yes. Not counted in ClinVar's aggregate classification.

Cancer Genetics and Genomics Laboratory, British Columbia Cancer Agency
Classification: Benign. Last evaluated: 2017-04-18. Review status: criteria provided, single submitter. Criteria: ACMG Guidelines, 2015. Collection method: clinical testing. Allele origin: germline. Study: The Canadian Open Genetics Repository (COGR). Not counted in ClinVar's aggregate classification.

Baylor Genetics
Classification: Benign for Familial cancer of breast. Last evaluated: 2017-02-23. Review status: criteria provided, single submitter. Criteria: ACMG Guidelines, 2015. Collection method: clinical testing. Allele origin: germline. Inheritance: Autosomal dominant inheritance. Affected: no. Not counted in ClinVar's aggregate classification.

Laboratory for Molecular Medicine, Mass General Brigham Personalized Medicine
Classification: Benign. Last evaluated: 2016-05-23. Review status: criteria provided, single submitter. Criteria: LMM Criteria. Collection method: clinical testing. Allele origin: germline. Observed: 1 variant allele. Not counted in ClinVar's aggregate classification.
Comment: p.Gln356Arg in exon 10 of BRCA1: This variant is not expected to have clinical s ignificance because it has been identified in 7.83% (518/6614) of Finnish chromo somes by the Exome Aggregation Consortium (ExAC; dbSNP rs1799950).

Eurofins Ntd Llc (ga)
Classification: Benign. Last evaluated: 2016-02-15. Review status: criteria provided, single submitter. Criteria: EGL Classification Definitions 2015. Collection method: clinical testing. Allele origin: germline. Observed: 49 variant alleles, 49 heterozygotes. Not counted in ClinVar's aggregate classification.

Vantari Genetics
Classification: Benign for Hereditary cancer-predisposing syndrome. Last evaluated: 2015-11-27. Review status: criteria provided, single submitter. Criteria: ACMG Guidelines, 2015. Collection method: clinical testing. Allele origin: germline. Not counted in ClinVar's aggregate classification.

Genomic Diagnostic Laboratory, Division of Genomic Diagnostics, Children's Hospital of Philadelphia
Classification: Benign for Hereditary Breast and Ovarian Cancer. Last evaluated: 2015-04-17. Review status: criteria provided, single submitter. Criteria: DGD Variant Analysis Guidelines. Collection method: clinical testing. Allele origin: unknown. Not counted in ClinVar's aggregate classification.

Ambry Genetics
Classification: Benign for Hereditary cancer-predisposing syndrome. Last evaluated: 2014-11-18. Review status: criteria provided, single submitter. Criteria: Ambry Variant Classification Scheme 2023. Collection method: clinical testing. Allele origin: germline. Not counted in ClinVar's aggregate classification.

Color Diagnostics, LLC DBA Color Health
Classification: Benign for Hereditary cancer-predisposing syndrome. Last evaluated: 2014-11-05. Review status: criteria provided, single submitter. Criteria: ACMG Guidelines, 2015. Collection method: clinical testing. Allele origin: germline. Not counted in ClinVar's aggregate classification.

Molecular Genetics Laboratory, University of Michigan
Classification: Benign for Breast-ovarian cancer, familial, susceptibility to, 1. Last evaluated: 2014-11-03. Review status: criteria provided, single submitter. Criteria: ACMG Guidelines, 2015. Collection method: clinical testing. Allele origin: germline. Affected: yes. Not counted in ClinVar's aggregate classification.

Women's Health and Genetics/Laboratory Corporation of America, LabCorp
Classification: Benign for Hereditary breast ovarian cancer syndrome. Last evaluated: 2014-01-07. Review status: criteria provided, single submitter. Criteria: LabCorp Variant Classification Summary - May 2015. Collection method: clinical testing. Allele origin: germline. Not counted in ClinVar's aggregate classification.

GeneDx
Classification: Benign. Last evaluated: 2013-08-13. Review status: criteria provided, single submitter. Criteria: GeneDx Variant Classification (06012015). Collection method: clinical testing. Allele origin: germline. Affected: yes. Not counted in ClinVar's aggregate classification.
Comment: This variant is considered likely benign or benign based on one or more of the following criteria: it is a conservative change, it occurs at a poorly conserved position in the protein, it is predicted to be benign by multiple in silico algorithms, and/or has population frequency not consistent with disease.

Breakthrough Genomics
Classification: Benign. Review status: criteria provided, single submitter. Criteria: ACMG Guidelines, 2015. Collection method: not provided. Allele origin: germline. Inheritance: Autosomal recessive inheritance. Affected: yes. Not counted in ClinVar's aggregate classification.

PreventionGenetics, part of Exact Sciences
Classification: Benign. Review status: criteria provided, single submitter. Criteria: ACMG Guidelines, 2015. Collection method: clinical testing. Allele origin: germline. Not counted in ClinVar's aggregate classification.

True Health Diagnostics
Classification: Benign for Hereditary cancer-predisposing syndrome. Last evaluated: 2018-03-02. Review status: no assertion criteria provided. Collection method: clinical testing. Allele origin: germline. Not counted in ClinVar's aggregate classification.

Mayo Clinic Laboratories, Mayo Clinic
Classification: Benign. Last evaluated: 2016-12-06. Review status: no assertion criteria provided. Collection method: clinical testing. Allele origin: unknown. Not counted in ClinVar's aggregate classification.

Next Generation Diagnostics, Novartis Institutes for BioMedical Research, Inc.
Classification: Uncertain significance for Breast ductal adenocarcinoma. Last evaluated: 2015-07-20. Review status: no assertion criteria provided. Collection method: research. Allele origin: germline. Affected: yes. Not counted in ClinVar's aggregate classification.

Pathway Genomics
Classification: Likely benign for hereditary breast and ovarian cancer, BROVCA1. Last evaluated: 2014-07-24. Review status: no assertion criteria provided. Collection method: literature only. Allele origin: germline. Not counted in ClinVar's aggregate classification.

Research Molecular Genetics Laboratory, Women's College Hospital, University of Toronto
Classification: Benign. Last evaluated: 2014-01-31. Review status: no assertion criteria provided. Collection method: research. Allele origin: germline. Affected: yes. Study: The Canadian Open Genetics Repository (COGR). Not counted in ClinVar's aggregate classification.

Counsyl
Classification: Benign for Breast-ovarian cancer, familial 1. Last evaluated: 2014-01-02. Review status: no assertion criteria provided. Collection method: literature only. Allele origin: unknown. Inheritance: Autosomal dominant inheritance. Not counted in ClinVar's aggregate classification.
Comment: High frequency in a 1kG or ESP population: 6.4 %. This submission and the accompanying classification are no longer maintained by the submitter.

ITMI
No classification provided. Condition: AllHighlyPenetrant. Last evaluated: 2013-09-19. Review status: no classification provided. Collection method: reference population. Allele origin: germline. Not counted in ClinVar's aggregate classification.
Comment: Please see associated publication for description of ethnicities

Biesecker Lab/Clinical Genomics Section, National Institutes of Health
Classification: Benign. Last evaluated: 2012-07-13. Review status: no assertion criteria provided. Collection method: research. Allele origin: germline. Affected: no. Observed: 82 variant alleles. Study: ClinSeq. Not counted in ClinVar's aggregate classification.
ClinVar note: Converted during submission from no known pathogenicity to Benign.

Sharing Clinical Reports Project (SCRP)
Classification: Benign for Breast-ovarian cancer, familial 1. Last evaluated: 2011-03-15. Review status: no assertion criteria provided. Collection method: clinical testing. Allele origin: germline. Not counted in ClinVar's aggregate classification.

Breast Cancer Information Core (BIC) (BRCA1)
Classification: Uncertain significance for Breast-ovarian cancer, familial 1. Last evaluated: 1999-12-22. Review status: no assertion criteria provided. Collection method: clinical testing. Allele origin: germline. Affected: yes. Observed: 159 variant alleles. Not counted in ClinVar's aggregate classification.

Center of Medical Genetics and Primary Health Care
Classification: Benign for Breast Cancer. Review status: no assertion criteria provided. Collection method: clinical testing. Allele origin: germline. Affected: yes. Not counted in ClinVar's aggregate classification.

Clinical Genetics DNA and cytogenetics Diagnostics Lab, Erasmus MC, Erasmus Medical Center
Classification: Benign. Review status: no assertion criteria provided. Collection method: clinical testing. Allele origin: germline. Affected: yes. Study: VKGL Data-share Consensus. Not counted in ClinVar's aggregate classification.

Clinical Genetics Laboratory, Department of Pathology, Netherlands Cancer Institute
Classification: Benign. Review status: no assertion criteria provided. Collection method: clinical testing. Allele origin: germline. Affected: yes. Study: VKGL Data-share Consensus. Not counted in ClinVar's aggregate classification.

Department of Pathology and Laboratory Medicine, Sinai Health System
Classification: Benign. Review status: no assertion criteria provided. Collection method: clinical testing. Allele origin: unknown. Affected: yes. Study: The Canadian Open Genetics Repository (COGR). Not counted in ClinVar's aggregate classification.
Comment: The p.Gln356Arg variant is not expected to have clinical significance because it is identified at a high frequency in various different populations of origin. In the 1000 genomes and exome variant server databases it was identified in 658 of 22636 control chromosomes. In addition, this variant was identified in the UMD database 16 x and 3 times in the presence of a co-occuring pathogenic variant increasing the likelihood this variant does not have clinical significance. In summary, based on the above information, this variant is classified as benign.

Diagnostic Laboratory, Department of Genetics, University Medical Center Groningen
Classification: Benign for Breast-ovarian cancer, familial, susceptibility to, 1. Review status: no assertion criteria provided. Collection method: clinical testing. Allele origin: germline. Affected: yes. Study: VKGL Data-share Consensus. Not counted in ClinVar's aggregate classification.

Faculté Pluridciplinaire Nador, Université Mohamed Premier
Classification: Tier IV - Benign/Likely benign for Familial cancer of breast. Review status: no assertion criteria provided. Collection method: research. Allele origin: somatic. Affected: yes.
Comment: The following databases and algorithms are used to annotate and evaluate the impact of the variant in the context of human disease: 1000 genomes, gnomAD, ClinVar, OMIM, dbSNP, NCIB RefSeq Genes, ExAC Gene Constraints, VS-SIFT, VS-PolyPhen2, PhyloP, GERP++, GeneSplicer, MaxEntScan, NNSplice, PWM Splice Predictor.

Genome Diagnostics Laboratory, University Medical Center Utrecht
Classification: Benign. Review status: no assertion criteria provided. Collection method: clinical testing. Allele origin: germline. Affected: yes. Study: VKGL Data-share Consensus. Not counted in ClinVar's aggregate classification.

Joint Genome Diagnostic Labs from Nijmegen and Maastricht, Radboudumc and MUMC+
Classification: Benign. Review status: no assertion criteria provided. Collection method: clinical testing. Allele origin: germline. Affected: yes. Study: VKGL Data-share Consensus. Not counted in ClinVar's aggregate classification.

Laboratory of Diagnostic Genome Analysis, Leiden University Medical Center (LUMC)
Classification: Benign. Review status: no assertion criteria provided. Collection method: clinical testing. Allele origin: germline. Affected: yes. Study: VKGL Data-share Consensus. Not counted in ClinVar's aggregate classification.

Literature cited by the submitters: PubMed 21990134 (cited by Evidence-based Network for the Interpretation of Germline Mutant Alleles (ENIGMA) and Women's Health and Genetics/Laboratory Corporation of America, LabCorp); DOI 10.3389/fgene.2022.834265 (cited by National Health Laboratory Service, Universitas Academic Hospital and University of the Free State); PubMed 36329109 (cited by Genetics Program, Instituto Nacional de Cancer); PubMed 21965345 (cited by Women's Health and Genetics/Laboratory Corporation of America, LabCorp); PubMed 16014699 (cited by Women's Health and Genetics/Laboratory Corporation of America, LabCorp and Pathway Genomics); PubMed 20104584 (cited by Women's Health and Genetics/Laboratory Corporation of America, LabCorp); PubMed 17341484 (cited by Women's Health and Genetics/Laboratory Corporation of America, LabCorp); PubMed 15235020 (cited by Women's Health and Genetics/Laboratory Corporation of America, LabCorp); PubMed 21702907 (cited by Women's Health and Genetics/Laboratory Corporation of America, LabCorp); PubMed 9063749 (cited by Women's Health and Genetics/Laboratory Corporation of America, LabCorp); PubMed 14555511 (cited by Women's Health and Genetics/Laboratory Corporation of America, LabCorp); PubMed 23469205 (cited by Women's Health and Genetics/Laboratory Corporation of America, LabCorp); PubMed 17585057 (cited by Women's Health and Genetics/Laboratory Corporation of America, LabCorp); PubMed 23249957 (cited by Women's Health and Genetics/Laboratory Corporation of America, LabCorp); PubMed 10196379 (cited by Women's Health and Genetics/Laboratory Corporation of America, LabCorp); PubMed 21708019 (cited by Women's Health and Genetics/Laboratory Corporation of America, LabCorp); PubMed 23192404 (cited by Women's Health and Genetics/Laboratory Corporation of America, LabCorp); PubMed 11400546 (cited by Women's Health and Genetics/Laboratory Corporation of America, LabCorp); PubMed 22136207 (cited by Women's Health and Genetics/Laboratory Corporation of America, LabCorp); PubMed 21232165 (cited by Pathway Genomics); PubMed 19661094 (cited by Pathway Genomics); PubMed 24728327 (cited by ITMI); Ladopolou-et-al.,-Cancer-Lett,-185:61,-2002 (cited by Breast Cancer Information Core (BIC) (BRCA1)).